The following is an entry in ClinVar:

NM_000138.5(FBN1):c.6322del (p.Arg2108fs)

Gene: FBN1 (fibrillin 1; minus strand). Cytogenetic location: 15q21.1.
Variant type: Deletion.
Coding change: c.6322del on transcript NM_000138.5 (MANE Select); coding-DNA position 6322, one base deleted (C; older notation c.6322delC).
Protein change: p.Arg2108fs; shifts the reading frame from arginine 2108.
Molecular consequence: frameshift variant.
Genome position (GRCh38, 1-based): chr15:48,437,379, G deleted on the plus strand (C on the coding strand, the reverse complement: FBN1 is on the minus strand); the first of 2 consecutive G bases (chr15:48,437,379-48,437,380); deleting either gives the same sequence. VCF-style (leftmost placement, unchanged base first): chr15-48437378-CG-C. GRCh37 (hg19) VCF-style: chr15-48729575-CG-C.
Other names: short protein forms R2108fs.
Identifiers: ClinVar variation 1424832 (VCV001424832.6), dbSNP rs2141240943, ClinGen allele CA2573150934.

ClinVar aggregate classification (germline): Pathogenic (1 of 4 stars; one submission).

Conditions:
Marfan syndrome (MFS). Also called: MARFAN SYNDROME, TYPE I; Marfan syndrome type 1; Marfan's syndrome; Marfan syndrome, classic; FBN1-Related Marfan Syndrome. Identifiers: Orphanet 284963, Orphanet 558, MedGen C0024796, MONDO:0007947, OMIM 154700.
Familial thoracic aortic aneurysm and aortic dissection (TAAD). Also called: Thoracic aortic aneurysms and dissections. Identifiers: Orphanet 91387, MedGen C4707243, MONDO:0019625.

Submission:

Labcorp Genetics (formerly Invitae), Labcorp
Classification: Pathogenic for Marfan syndrome; Familial thoracic aortic aneurysm and aortic dissection. Last evaluated: 2022-07-05. Review status: criteria provided, single submitter. Criteria: Invitae Variant Classification Sherloc (09022015). Collection method: clinical testing. Allele origin: germline.
Comment: This sequence change creates a premature translational stop signal (p.Arg2108Alafs*52) in the FBN1 gene. It is expected to result in an absent or disrupted protein product. Loss-of-function variants in FBN1 are known to be pathogenic (PMID: 17657824, 19293843). This variant is not present in population databases (gnomAD no frequency). This variant has not been reported in the literature in individuals affected with FBN1-related conditions. ClinVar contains an entry for this variant (Variation ID: 1424832). For these reasons, this variant has been classified as Pathogenic.

Literature cited by the submitters: PubMed 17657824; PubMed 19293843.